The following is an entry in ClinVar:

NM_022041.4(GAN):c.1214C>G (p.Pro405Arg)

Gene: GAN (gigaxonin; plus strand). Cytogenetic location: 16q23.2.
Variant type: single nucleotide variant.
Coding change: c.1214C>G on transcript NM_022041.4 (MANE Select); coding-DNA position 1214, C replaced by G.
Protein change: p.Pro405Arg; replaces proline 405 with arginine.
Molecular consequence: missense variant.
Genome position (GRCh38, 1-based): chr16:81,363,921, C>G. VCF-style: chr16-81363921-C-G. GRCh37 (hg19) VCF-style: chr16-81397526-C-G.
Other names: c.575C>G, p.Pro192Arg (NM_001377486.1); short protein forms P192R, P405R.
Identifiers: ClinVar variation 1751133 (VCV001751133.2), dbSNP rs776590617, ClinGen allele CA8191652.

ClinVar aggregate classification (germline): Uncertain significance (1 of 4 stars; one submission).

Conditions:
Inborn genetic diseases. Identifiers: MedGen C0950123, MeSH D030342.

Allele frequency attached by ClinVar (database versions not stated): ExAC 0.00001; gnomAD 0.00001; gnomAD exomes 0.00001; TOPMed 0.00002.

Submission:

Ambry Genetics
Classification: Uncertain significance for Inborn genetic diseases. Last evaluated: 2020-05-15. Review status: criteria provided, single submitter. Criteria: Ambry Variant Classification Scheme 2023. Collection method: clinical testing. Allele origin: germline.
Comment: The p.P405R variant (also known as c.1214C>G), located in coding exon 7 of the GAN gene, results from a C to G substitution at nucleotide position 1214. The proline at codon 405 is replaced by arginine, an amino acid with dissimilar properties. This amino acid position is well conserved in available vertebrate species. In addition, this alteration is predicted to be tolerated by in silico analysis. Since supporting evidence is limited at this time, the clinical significance of this alteration remains unclear.